The following is an entry in ClinVar:

NM_033343.4(LHX4):c.295del (p.Thr99fs)

Gene: LHX4 (LIM homeobox 4; plus strand). Cytogenetic location: 1q25.2.
Variant type: Deletion.
Coding change: c.295del on transcript NM_033343.4 (MANE Select); coding-DNA position 295, one base deleted (A; older notation c.295delA).
Protein change: p.Thr99fs; shifts the reading frame from threonine 99.
Molecular consequence: frameshift variant.
Genome position (GRCh38, 1-based): chr1:180,266,438, A deleted; the last of 2 consecutive A bases (chr1:180,266,437-180,266,438); deleting either gives the same sequence. VCF-style (leftmost placement, unchanged base first): chr1-180266436-CA-C. GRCh37 (hg19) VCF-style: chr1-180235571-CA-C.
Other names: short protein forms T99fs.
Identifiers: ClinVar variation 280160 (VCV000280160.2), dbSNP rs886041420, ClinGen allele CA10602742.
Genomic context (GRCh38, chr1:180,266,436, plus strand): 5'-CCTGCTGCCCTGACAGGCGCTTCGGCACAAAATGCACGGCCTGCCAGCAGGGTATCCCCC[CA>C]ACCCAGGTGGTCCGCAAGGCCCAGGACTTTGTCTACCACCTGCACTGCTTTGCTTGCATC-3'

ClinVar aggregate classification (germline): Pathogenic (1 of 4 stars; one submission).

Submission:

GeneDx
Classification: Pathogenic. Last evaluated: 2015-12-16. Review status: criteria provided, single submitter. Criteria: GeneDx Variant Classification (06012015). Collection method: clinical testing. Allele origin: germline. Affected: yes.
Comment: The c.295delA pathogenic variant in the LHX4 gene has not been reported previously as a pathogenic variant nor as a benign variant, to our knowledge. The c.295delA variant causes a frameshift starting with codon Threonine 99, changes this amino acid to a Proline residue, and creates a premature Stop codon at position 74 of the new reading frame, denoted p.Thr99ProfsX74. This variant is predicted to cause loss of normal protein function either through protein truncation or nonsense-mediated mRNA decay. The c.295delA variant was not observed in approximately 6500 individuals of European and African American ancestry in the NHLBI Exome Sequencing Project, indicating it is not a common benign variant in these populations. We interpret c.295delA as a pathogenic variant.